The following is an entry in ClinVar:

NM_201253.3(CRB1):c.1172-3C>G

Gene: CRB1 (crumbs cell polarity complex component 1; plus strand). Cytogenetic location: 1q31.3.
Variant type: single nucleotide variant.
Coding change: c.1172-3C>G on transcript NM_201253.3 (MANE Select); 3 bases into the intron before coding-DNA position 1172, C replaced by G.
Molecular consequence: intron variant.
Genome position (GRCh38, 1-based): chr1:197,420,997, C>G. VCF-style: chr1-197420997-C-G. GRCh37 (hg19) VCF-style: chr1-197390127-C-G.
Other names: c.965-3C>G (NM_001257965.2); c.1172-3C>G (NM_001257966.2); c.836-3C>G (NM_001193640.2).
Identifiers: ClinVar variation 960139 (VCV000960139.8), dbSNP rs937310739, ClinGen allele CA35893163.

ClinVar aggregate classification (germline): Uncertain significance. Review status: criteria provided, multiple submitters, no conflicts (2 of 4 stars). 3 submissions from 3 submitters: Uncertain significance (2). 1 of the submissions does not count toward it. Last evaluated 2024-09-05.

Conditions:
Leber congenital amaurosis (LCA). Also called: Leber's amaurosis. Identifiers: Orphanet 65, MedGen C0339527, MeSH D057130, MONDO:0018998.
Retinitis pigmentosa 12 (RP12). Also called: RP WITH OR WITHOUT PRESERVED PARAARTERIOLE RETINAL PIGMENT EPITHELIUM; RETINITIS PIGMENTOSA WITH OR WITHOUT PARAARTERIOLAR PRESERVATION OF RETINAL PIGMENT EPITHELIUM; RP WITH OR WITHOUT PPRPE. Identifiers: Orphanet 791, MedGen C1838647, MONDO:0010818, OMIM 600105.
Leber congenital amaurosis 8 (LCA8). Identifiers: Orphanet 65, MedGen C3151202, MONDO:0013453, OMIM 613835.

Allele frequency attached by ClinVar (database versions not stated): TOPMed below 0.00001; gnomAD 0.00001.
gnomAD v4.1: 3 of 1,503,706 alleles (0.0002%); highest among the groups gnomAD compares: Non-Finnish European, 0.00028%; no homozygotes.

Submissions (3):

Blueprint Genetics
Classification: Uncertain significance. Last evaluated: 2024-09-05. Review status: criteria provided, single submitter. Criteria: ACMG Guidelines, 2015. Collection method: clinical testing. Allele origin: germline.

Labcorp Genetics (formerly Invitae), Labcorp
Classification: Uncertain significance for Leber congenital amaurosis 8; Retinitis pigmentosa 12. Last evaluated: 2022-10-25. Review status: criteria provided, single submitter. Criteria: Invitae Variant Classification Sherloc (09022015). Collection method: clinical testing. Allele origin: germline.
Comment: This sequence change falls in intron 5 of the CRB1 gene. It does not directly change the encoded amino acid sequence of the CRB1 protein. It affects a nucleotide within the consensus splice site. This variant is not present in population databases (gnomAD no frequency). This variant has been observed in individual(s) with CRB1-related conditions (Invitae). ClinVar contains an entry for this variant (Variation ID: 960139). Variants that disrupt the consensus splice site are a relatively common cause of aberrant splicing (PMID: 17576681, 9536098). Algorithms developed to predict the effect of sequence changes on RNA splicing suggest that this variant may disrupt the consensus splice site. In summary, the available evidence is currently insufficient to determine the role of this variant in disease. Therefore, it has been classified as a Variant of Uncertain Significance.

Natera, Inc.
Classification: Uncertain significance for Leber congenital amaurosis. Last evaluated: 2020-01-24. Review status: no assertion criteria provided. Collection method: clinical testing. Allele origin: germline. Not counted in ClinVar's aggregate classification.

Literature cited by the submitters: PubMed 17576681 (cited by Labcorp Genetics (formerly Invitae), Labcorp); PubMed 9536098 (cited by Labcorp Genetics (formerly Invitae), Labcorp).